The following is an entry in ClinVar:

NM_001130009.3(GEN1):c.2036T>A (p.Phe679Tyr)

Gene: GEN1 (GEN1 Holliday junction 5' flap endonuclease; plus strand). Cytogenetic location: 2p24.2.
Variant type: single nucleotide variant.
Coding change: c.2036T>A on transcript NM_001130009.3 (MANE Select); coding-DNA position 2036, T replaced by A.
Protein change: p.Phe679Tyr; replaces phenylalanine 679 with tyrosine.
Molecular consequence: missense variant.
Genome position (GRCh38, 1-based): chr2:17,781,248, T>A. VCF-style: chr2-17781248-T-A. GRCh37 (hg19) VCF-style: chr2-17962515-T-A.
Other names: c.2036T>A, p.Phe679Tyr (NM_182625.5); short protein forms F679Y.
Identifiers: ClinVar variation 3853518 (VCV003853518.1).
Genomic context (GRCh38, chr2:17,781,248, plus strand): 5'-ATCTACTTTCTGGCATTACTGATTTATGTCTTCAGGATTTGCCTTTAAAGGAACGAATAT[T>A]TACAAAATTATCATATCCTCAGGATAATCTACAACCAGATGTCAACCTGAAAACTTTGTC-3'
Protein context (NP_001123481.3, residues 669-689): LQDLPLKERI[Phe679Tyr]TKLSYPQDNL

ClinVar aggregate classification (germline): Uncertain significance (1 of 4 stars; one submission).

Submission:

Ambry Genetics
Classification: Uncertain significance. Last evaluated: 2025-01-18. Review status: criteria provided, single submitter. Criteria: Ambry Variant Classification Scheme 2023. Collection method: clinical testing. Allele origin: germline.
Comment: The p.F679Y variant (also known as c.2036T>A), located in coding exon 13 of the GEN1 gene, results from a T to A substitution at nucleotide position 2036. The phenylalanine at codon 679 is replaced by tyrosine, an amino acid with highly similar properties. This amino acid position is conserved. In addition, this alteration is predicted to be tolerated by in silico analysis. Based on the available evidence, the clinical significance of this variant remains unclear.